The following is an entry in ClinVar:

ClinVar aggregate classification (germline): Pathogenic/Likely pathogenic. Review status: criteria provided, multiple submitters, no conflicts (2 of 4 stars). 2 submissions from 2 submitters: Pathogenic (1); Likely pathogenic (1). Last evaluated 2025-09-03.

Conditions:
Familial cancer of breast. Also called: Hereditary breast cancer; BREAST CANCER, FAMILIAL; hereditary breast carcinoma. Identifiers: Orphanet 227535, MedGen C0346153, MONDO:0016419, OMIM 114480. Disease mechanism: loss of function.

Submissions (2):

Labcorp Genetics (formerly Invitae), Labcorp
Classification: Pathogenic for Familial cancer of breast. Last evaluated: 2025-09-03. Review status: criteria provided, single submitter. Criteria: Invitae Variant Classification Sherloc (09022015). Collection method: clinical testing. Allele origin: germline.
Comment: This sequence change affects an acceptor splice site in intron 7 of the BARD1 gene. RNA analysis indicates that disruption of this splice site induces altered splicing and may result in an absent or altered protein product. This variant is not present in population databases (gnomAD no frequency). This variant has not been reported in the literature in individuals affected with BARD1-related conditions. ClinVar contains an entry for this variant (Variation ID: 2763628). Studies have shown that disruption of this splice site results in skipping of exon 8, and produces a non-functional protein and/or introduces a premature termination codon (internal data). For these reasons, this variant has been classified as Pathogenic.

Myriad Genetics, Inc.
Classification: Likely pathogenic for Familial cancer of breast. Last evaluated: 2024-03-06. Review status: criteria provided, single submitter. Criteria: Myriad Autosomal Dominant, Autosomal Recessive and X-Linked Classification Criteria (2023). Collection method: clinical testing. Allele origin: unknown.
Comment: This variant is considered likely pathogenic. This variant occurs within a consensus splice junction and is predicted to result in abnormal mRNA splicing of either an out-of-frame exon or an in-frame exon necessary for protein stability and/or normal function.

NM_000465.4(BARD1):c.1678-1G>A

Gene: BARD1 (BRCA1 associated RING domain 1; minus strand). Cytogenetic location: 2q35.
Variant type: single nucleotide variant.
Coding change: c.1678-1G>A on transcript NM_000465.4 (MANE Select); the canonical splice acceptor site of the intron before coding-DNA position 1678, G replaced by A.
Molecular consequence: splice acceptor variant. On other transcripts: intron variant (1).
Genome position (GRCh38, 1-based): chr2:214,745,855, C>T on the plus strand (G>A on the coding strand, the complement: BARD1 is on the minus strand). VCF-style: chr2-214745855-C-T. GRCh37 (hg19) VCF-style: chr2-215610579-C-T.
Other names: c.268-1G>A (NM_001282548.2); c.1621-1G>A (NM_001282543.2); c.325-1G>A (NM_001282545.2); c.365-15347G>A (NM_001282549.2).
Identifiers: ClinVar variation 2763628 (VCV002763628.4), dbSNP rs767208318, ClinGen allele CA350453356.